The following is an entry in ClinVar:

NM_016343.4(CENPF):c.4520C>T (p.Ser1507Phe)

Gene: CENPF (centromere protein F; plus strand). Cytogenetic location: 1q41.
Variant type: single nucleotide variant.
Coding change: c.4520C>T on transcript NM_016343.4 (MANE Select); coding-DNA position 4520, C replaced by T.
Protein change: p.Ser1507Phe; replaces serine 1507 with phenylalanine.
Molecular consequence: missense variant.
Genome position (GRCh38, 1-based): chr1:214,642,858, C>T. VCF-style: chr1-214642858-C-T. GRCh37 (hg19) VCF-style: chr1-214816201-C-T.
Other names: short protein forms S1507F.
Identifiers: ClinVar variation 742081 (VCV000742081.18), dbSNP rs145589304, ClinGen allele CA1390603.
Genomic context (GRCh38, chr1:214,642,858, plus strand): 5'-TTAGCAGTTTGGGAGACTCCTCCTTTTACAGAGCTCTTTTAGAACAGACAGGAGATATGT[C>T]TCTTTTGAGTAATTTAGAAGGGGCTGTTTCAGCAAACCAGTGCAGTGTAGATGAAGTATT-3'
Protein context (NP_057427.3, residues 1497-1517): RALLEQTGDM[Ser1507Phe]LLSNLEGAVS

ClinVar aggregate classification (germline): Conflicting classifications of pathogenicity. Review status: criteria provided, conflicting classifications (1 of 4 stars). 5 submissions from 5 submitters: Uncertain significance (3); Likely benign (1). 1 of the submissions does not count toward it. Last evaluated 2025-10-16.

Conditions:
CENPF-related disorder. Also called: CENPF-related condition.

Allele frequency attached by ClinVar (database versions not stated): gnomAD 0.00085 and 0.00079; TOPMed 0.00097; 1000 Genomes Project 0.00060; 1000 Genomes Project 30x 0.00078; ESP Exome Variant Server 0.00100.
gnomAD v4.1: 214 of 1,613,994 alleles (0.013%); highest among the groups gnomAD compares: African/African-American, 0.23%; 1 homozygote.

Submissions (5):

Labcorp Genetics (formerly Invitae), Labcorp
Classification: Likely benign. Last evaluated: 2025-10-16. Review status: criteria provided, single submitter. Criteria: Invitae Variant Classification Sherloc (09022015). Collection method: clinical testing. Allele origin: germline.

Dasa
Classification: Uncertain significance. Last evaluated: 2025-08-26. Review status: criteria provided, single submitter. Criteria: DASA Assertion Criteria. Collection method: clinical testing. Allele origin: germline.
Comment: NM_016343.4(CENPF):c.4520C>T (p.Ser1507Phe) is a missense variant that results in the substitution of serine with phenylalanine. This variant is absent from population databases. Computational prediction algorithms are consistent with a benign effect. The currently available literature and clinical evidence are not sufficient to establish a definitive association between this variant and the reported condition. Therefore, this variant is classified as a variant of uncertain significance.

Women's Health and Genetics/Laboratory Corporation of America, LabCorp
Classification: Uncertain significance. Last evaluated: 2025-05-08. Review status: criteria provided, single submitter. Criteria: LabCorp Variant Classification Summary - May 2015. Collection method: clinical testing. Allele origin: germline.
Comment: Variant summary: CENPF c.4520C>T (p.Ser1507Phe) results in a non-conservative amino acid change in the encoded protein sequence. Algorithms developed to predict the effect of missense changes on protein structure and function are either unavailable or do not agree on the potential impact of this missense change. The variant allele was found at a frequency of 0.00022 in 250874 control chromosomes. This frequency is not significantly higher than estimated for a pathogenic variant in CENPF causing Stromme Syndrome, allowing no conclusion about variant significance. To our knowledge, no occurrence of c.4520C>T in individuals affected with Stromme Syndrome and no experimental evidence demonstrating its impact on protein function have been reported. ClinVar contains an entry for this variant (Variation ID: 742081). Based on the evidence outlined above, the variant was classified as uncertain significance.

GeneDx
Classification: Uncertain significance. Last evaluated: 2020-06-23. Review status: criteria provided, single submitter. Criteria: GeneDx Variant Classification Process June 2021. Collection method: clinical testing. Allele origin: germline. Affected: yes.
Comment: In silico analysis, which includes protein predictors and evolutionary conservation, supports a deleterious effect; Has not been previously published as pathogenic or benign to our knowledge

PreventionGenetics, part of Exact Sciences
Classification: Likely benign for CENPF-related condition. Last evaluated: 2023-03-06. Review status: no assertion criteria provided. Collection method: clinical testing. Allele origin: germline. Not counted in ClinVar's aggregate classification.
Comment: This variant is classified as likely benign based on ACMG/AMP sequence variant interpretation guidelines (Richards et al. 2015 PMID: 25741868, with internal and published modifications).